The following is an entry in ClinVar:

NM_017777.4(MKS1):c.842G>C (p.Arg281Pro)

Gene: MKS1 (MKS transition zone complex subunit 1; minus strand). Cytogenetic location: 17q22.
Variant type: single nucleotide variant.
Coding change: c.842G>C on transcript NM_017777.4 (MANE Select); coding-DNA position 842, G replaced by C.
Protein change: p.Arg281Pro; replaces arginine 281 with proline.
Molecular consequence: missense variant.
Genome position (GRCh38, 1-based): chr17:58,212,998, C>G on the plus strand (G>C on the coding strand, the complement: MKS1 is on the minus strand). VCF-style: chr17-58212998-C-G. GRCh37 (hg19) VCF-style: chr17-56290359-C-G.
Other names: c.842G>C (NM_017777.3); c.233G>C, p.Arg78Pro (NM_001321268.2); c.842G>C, p.Arg281Pro (NM_001321269.2, NM_001330397.2); short protein forms R281P, R78P.
Identifiers: ClinVar variation 198885 (VCV000198885.7), dbSNP rs794727927, ClinGen allele CA247757.

ClinVar aggregate classification (germline): Uncertain significance. Review status: criteria provided, single submitter (1 of 4 stars). 3 submissions from 3 submitters: Uncertain significance (1). 2 of the submissions do not count toward it. Last evaluated 2015-03-05.

Conditions:
MKS1-related disorder. Also called: MKS1-related condition; MKS1-related disorders. Identifiers: MedGen CN239382.
Meckel syndrome, type 1 (MKS1). Also called: MECKEL-GRUBER SYNDROME, TYPE 1. Identifiers: Orphanet 564, MedGen C3714506, MONDO:0009571, OMIM 249000.

Allele frequency attached by ClinVar (database versions not stated): gnomAD 0.00001; TOPMed 0.00001.
gnomAD v4.1: 1 of 1,614,016 alleles (0.000062%); highest among the groups gnomAD compares: African/African-American, 0.0013%; no homozygotes.

Submissions (3):

Eurofins Ntd Llc (ga)
Classification: Uncertain significance. Last evaluated: 2015-03-05. Review status: criteria provided, single submitter. Criteria: EGL Classification Definitions 2015. Collection method: clinical testing. Allele origin: germline. Observed: 1 variant allele, 1 heterozygote.

PreventionGenetics, part of Exact Sciences
Classification: Uncertain significance for MKS1-related condition. Last evaluated: 2024-03-21. Review status: no assertion criteria provided. Collection method: clinical testing. Allele origin: germline. Not counted in ClinVar's aggregate classification.
Comment: The MKS1 c.842G>C variant is predicted to result in the amino acid substitution p.Arg281Pro. To our knowledge, this variant has not been reported in the literature or in a large population database, indicating this variant is rare. At this time, the clinical significance of this variant is uncertain due to the absence of conclusive functional and genetic evidence.

Natera, Inc.
Classification: Uncertain significance for Meckel syndrome type 1. Last evaluated: 2020-11-04. Review status: no assertion criteria provided. Collection method: clinical testing. Allele origin: germline. Not counted in ClinVar's aggregate classification.